The following is an entry in ClinVar:

NM_000245.4(MET):c.3302A>G (p.Asp1101Gly)

Gene: MET (MET proto-oncogene, receptor tyrosine kinase; plus strand). Cytogenetic location: 7q31.2.
Variant type: single nucleotide variant.
Coding change: c.3302A>G on transcript NM_000245.4 (MANE Select); coding-DNA position 3302, A replaced by G.
Protein change: p.Asp1101Gly; replaces aspartic acid 1101 with glycine.
Molecular consequence: missense variant.
Genome position (GRCh38, 1-based): chr7:116,777,431, A>G. VCF-style: chr7-116777431-A-G. GRCh37 (hg19) VCF-style: chr7-116417485-A-G.
Other names: c.3356A>G, p.Asp1119Gly (NM_001127500.3); c.2012A>G, p.Asp671Gly (NM_001324402.2); c.3302A>G (NM_000245.2); short protein forms D1119G, D1101G, D671G.
Identifiers: ClinVar variation 2755476 (VCV002755476.4), dbSNP rs2117040101, ClinGen allele CA368989678.
Genomic context (GRCh38, chr7:116,777,431, plus strand): 5'-GTTCTTTCTTTTGCACAGGGCATTTTGGTTGTGTATATCATGGGACTTTGTTGGACAATG[A>G]TGGCAAGAAAATTCACTGTGCTGTGAAATCCTTGAACAGTAAGTGGCATTTTATTTAACC-3'
Protein context (NP_000236.2, residues 1091-1111): CVYHGTLLDN[Asp1101Gly]GKKIHCAVKS

ClinVar aggregate classification (germline): Uncertain significance. Review status: criteria provided, multiple submitters, no conflicts (2 of 4 stars). 2 submissions from 2 submitters: Uncertain significance (2). Last evaluated 2026-07-06.

Conditions:
Hereditary cancer-predisposing syndrome. Also called: Hereditary Cancer Syndrome; Hereditary neoplastic syndrome; Neoplastic Syndromes, Hereditary; Tumor predisposition. Identifiers: Orphanet 140162, MedGen C0027672, MeSH D009386, MONDO:0015356.
Renal cell carcinoma. Identifiers: Orphanet 217071, MedGen C0007134, MeSH D002292, MONDO:0005086, HP:0005584.

Submissions (2):

Ambry Genetics
Classification: Uncertain significance for Hereditary cancer-predisposing syndrome. Last evaluated: 2026-07-06. Review status: criteria provided, single submitter. Criteria: Ambry Variant Classification Scheme 2023. Collection method: clinical testing. Allele origin: germline.
Comment: The p.D1101G variant (also known as c.3302A>G), located in coding exon 15 of the MET gene, results from an A to G substitution at nucleotide position 3302. The aspartic acid at codon 1101 is replaced by glycine, an amino acid with similar properties. This amino acid position is conserved. In addition, this alteration is predicted to be tolerated by in silico analysis. Based on the available evidence, the clinical significance of this variant remains unclear.

Labcorp Genetics (formerly Invitae), Labcorp
Classification: Uncertain significance for Renal cell carcinoma. Last evaluated: 2023-08-27. Review status: criteria provided, single submitter. Criteria: Invitae Variant Classification Sherloc (09022015). Collection method: clinical testing. Allele origin: germline.
Comment: In summary, the available evidence is currently insufficient to determine the role of this variant in disease. Therefore, it has been classified as a Variant of Uncertain Significance. Advanced modeling of protein sequence and biophysical properties (such as structural, functional, and spatial information, amino acid conservation, physicochemical variation, residue mobility, and thermodynamic stability) performed at Invitae indicates that this missense variant is not expected to disrupt MET protein function. This variant has not been reported in the literature in individuals affected with MET-related conditions. This variant is not present in population databases (gnomAD no frequency). This sequence change replaces aspartic acid, which is acidic and polar, with glycine, which is neutral and non-polar, at codon 1119 of the MET protein (p.Asp1119Gly).